The following is an entry in ClinVar:

NM_000465.4(BARD1):c.2078dup (p.Leu694fs)

Gene: BARD1 (BRCA1 associated RING domain 1; minus strand). Cytogenetic location: 2q35.
Variant type: Duplication.
Coding change: c.2078dup on transcript NM_000465.4 (MANE Select); coding-DNA position 2078, one base duplicated (A; older notation c.2078dupA).
Protein change: p.Leu694fs; shifts the reading frame from leucine 694.
Molecular consequence: frameshift variant. On other transcripts: non-coding transcript variant (3).
Genome position (GRCh38, 1-based): chr2:214,728,932, T duplicated on the plus strand (A on the coding strand, the reverse complement: BARD1 is on the minus strand); the first of 2 consecutive T bases (chr2:214,728,932-214,728,933); duplicating either gives the same sequence. VCF-style (leftmost placement, unchanged base first): chr2-214728931-C-CT. GRCh37 (hg19) VCF-style: chr2-215593655-C-CT.
Other names: c.2021dup, p.Leu675fs (NM_001282543.2); c.725dup, p.Leu243fs (NM_001282545.2); c.668dup, p.Leu224fs (NM_001282548.2); c.539dup, p.Leu181fs (NM_001282549.2); c.2078dupA (NM_000465.3); short protein forms L224fs, L675fs, L181fs, L243fs, L694fs.
Identifiers: ClinVar variation 530109 (VCV000530109.9), dbSNP rs1553612205, ClinGen allele CA658796160.

ClinVar aggregate classification (germline): Likely pathogenic (1 of 4 stars; one submission).

Conditions:
Familial cancer of breast. Also called: BREAST CANCER, FAMILIAL; Hereditary breast cancer; hereditary breast carcinoma. Identifiers: Orphanet 227535, MedGen C0346153, MONDO:0016419, OMIM 114480. Disease mechanism: loss of function.

Submission:

Labcorp Genetics (formerly Invitae), Labcorp
Classification: Likely pathogenic for Familial cancer of breast. Last evaluated: 2017-10-18. Review status: criteria provided, single submitter. Criteria: Invitae Variant Classification Sherloc (09022015). Collection method: clinical testing. Allele origin: germline.
Comment: This sequence change results in a premature translational stop signal in the BARD1 gene (p.Leu694Alafs*12). While this is not anticipated to result in nonsense mediated decay, it is expected to disrupt the last 84 amino acids of the BARD1 protein. This variant is not present in population databases (ExAC no frequency). This variant has not been reported in the literature in individuals with BARD1-related disease. This variant disrupts approximately 47% of the BRCT functional domain, which is encoded by amino acids 602-777. The entire BRCT domain is known to be required for chromosome stability and homology-directed repair of BARD1 protein (PMID: 17848578). In summary, the currently available evidence indicates that the variant is pathogenic, but additional data are needed to prove that conclusively. Therefore, this variant has been classified as Likely Pathogenic.

Literature cited by the submitters: PubMed 17848578.